The following is an entry in ClinVar:

ClinVar aggregate classification (germline): Benign. Review status: criteria provided, multiple submitters, no conflicts (2 of 4 stars). 3 submissions from 3 submitters: Benign (2). 1 of the submissions does not count toward it. Last evaluated 2019-12-31.

Conditions:
DNAH7-related disorder. Also called: DNAH7-related condition.

Allele frequency attached by ClinVar (database versions not stated): gnomAD exomes 0.00068 and 0.00172; ExAC 0.00201; 1000 Genomes Project 0.00659; ESP Exome Variant Server 0.00676; gnomAD 0.00701 and 0.00758; 1000 Genomes Project 30x 0.00734; TOPMed 0.00818.
gnomAD v4.1: 2,095 of 1,613,868 alleles (0.13%); highest among the groups gnomAD compares: African/African-American, 2.5%; 25 homozygotes.

Submissions (3):

Labcorp Genetics (formerly Invitae), Labcorp
Classification: Benign. Last evaluated: 2019-12-31. Review status: criteria provided, single submitter. Criteria: Invitae Variant Classification Sherloc (09022015). Collection method: clinical testing. Allele origin: germline.

Breakthrough Genomics
Classification: Benign. Review status: criteria provided, single submitter. Criteria: ACMG Guidelines, 2015. Collection method: not provided. Allele origin: germline. Inheritance: Unknown mechanism. Affected: yes.

PreventionGenetics, part of Exact Sciences
Classification: Benign for DNAH7-related condition. Last evaluated: 2019-07-29. Review status: no assertion criteria provided. Collection method: clinical testing. Allele origin: germline. Not counted in ClinVar's aggregate classification.
Comment: This variant is classified as benign based on ACMG/AMP sequence variant interpretation guidelines (Richards et al. 2015 PMID: 25741868, with internal and published modifications).

NM_018897.3(DNAH7):c.8464G>A (p.Gly2822Arg)

Gene: DNAH7 (dynein axonemal heavy chain 7; minus strand). Cytogenetic location: 2q32.3.
Variant type: single nucleotide variant.
Coding change: c.8464G>A on transcript NM_018897.3 (MANE Select); coding-DNA position 8464, G replaced by A.
Protein change: p.Gly2822Arg; replaces glycine 2822 with arginine.
Molecular consequence: missense variant.
Genome position (GRCh38, 1-based): chr2:195,855,942, C>T on the plus strand (G>A on the coding strand, the complement: DNAH7 is on the minus strand). VCF-style: chr2-195855942-C-T. GRCh37 (hg19) VCF-style: chr2-196720666-C-T.
Other names: short protein forms G2822R.
Identifiers: ClinVar variation 711858 (VCV000711858.7), dbSNP rs62624462, ClinGen allele CA2034642.